The following is an entry in ClinVar:

ClinVar aggregate classification (germline): Uncertain significance. Review status: criteria provided, multiple submitters, no conflicts (2 of 4 stars). 2 submissions from 2 submitters: Uncertain significance (2). Last evaluated 2024-02-23.

Conditions:
Familial adenomatous polyposis 1 (FAP1). Also called: FAMILIAL ADENOMATOUS POLYPOSIS 1, ATTENUATED; POLYPOSIS, ADENOMATOUS INTESTINAL. Identifiers: MedGen C2713442, MONDO:0021056, OMIM 175100. Disease mechanism: loss of function.
Hereditary cancer-predisposing syndrome. Also called: Tumor predisposition; Hereditary Cancer Syndrome; Neoplastic Syndromes, Hereditary; Hereditary neoplastic syndrome. Identifiers: Orphanet 140162, MedGen C0027672, MeSH D009386, MONDO:0015356.

Allele frequency attached by ClinVar (database versions not stated): gnomAD exomes below 0.00001.
gnomAD v4.1: 2 of 1,614,248 alleles (0.00012%); highest among the groups gnomAD compares: Non-Finnish European, 0.00017%; no homozygotes.

Submissions (2):

Baylor Genetics
Classification: Uncertain significance for Familial adenomatous polyposis 1. Last evaluated: 2024-02-23. Review status: criteria provided, single submitter. Criteria: ACMG Guidelines, 2015. Collection method: clinical testing. Allele origin: unknown.

Ambry Genetics
Classification: Uncertain significance for Hereditary cancer-predisposing syndrome. Last evaluated: 2019-12-04. Review status: criteria provided, single submitter. Criteria: Ambry Variant Classification Scheme 2023. Collection method: clinical testing. Allele origin: germline.
Comment: The p.E955G variant (also known as c.2864A>G), located in coding exon 15 of the APC gene, results from an A to G substitution at nucleotide position 2864. The glutamic acid at codon 955 is replaced by glycine, an amino acid with similar properties. This amino acid position is well conserved in available vertebrate species. In addition, in silico predictors for this gene do not accurately predict pathogenicity. Since supporting evidence is limited at this time, the clinical significance of this alteration remains unclear.

NM_000038.6(APC):c.2864A>G (p.Glu955Gly)

Gene: APC (APC regulator of Wnt signaling pathway; plus strand). Cytogenetic location: 5q22.2.
Variant type: single nucleotide variant.
Coding change: c.2864A>G on transcript NM_000038.6 (MANE Select); coding-DNA position 2864, A replaced by G.
Protein change: p.Glu955Gly; replaces glutamic acid 955 with glycine.
Molecular consequence: missense variant.
Genome position (GRCh38, 1-based): chr5:112,838,458, A>G. VCF-style: chr5-112838458-A-G. GRCh37 (hg19) VCF-style: chr5-112174155-A-G.
Other names: c.2864A>G, p.Glu955Gly (NM_001127510.3, NM_001354895.2); c.2810A>G, p.Glu937Gly (NM_001127511.3); c.2918A>G, p.Glu973Gly (NM_001354896.2); c.2894A>G, p.Glu965Gly (NM_001354897.2); c.2789A>G, p.Glu930Gly (NM_001354898.2); c.2780A>G, p.Glu927Gly (NM_001354899.2); c.2741A>G, p.Glu914Gly (NM_001354900.2); c.2687A>G, p.Glu896Gly (NM_001354901.2); and 5 more; short protein forms E829G, E965G, E795G, E864G, E927G, E930G, E955G, E672G.
Identifiers: ClinVar variation 821924 (VCV000821924.5), dbSNP rs1580628314, ClinGen allele CA16027578.